The following is an entry in ClinVar:

NM_198253.3(TERT):c.2272G>T (p.Ala758Ser)

Gene: TERT (telomerase reverse transcriptase; minus strand). Cytogenetic location: 5p15.33.
Variant type: single nucleotide variant.
Coding change: c.2272G>T on transcript NM_198253.3 (MANE Select); coding-DNA position 2272, G replaced by T.
Protein change: p.Ala758Ser; replaces alanine 758 with serine.
Molecular consequence: missense variant. On other transcripts: non-coding transcript variant (2).
Genome position (GRCh38, 1-based): chr5:1,278,655, C>A on the plus strand (G>T on the coding strand, the complement: TERT is on the minus strand). VCF-style: chr5-1278655-C-A. GRCh37 (hg19) VCF-style: chr5-1278770-C-A.
Other names: c.2272G>T, p.Ala758Ser (NM_001193376.3); short protein forms A758S.
Identifiers: ClinVar variation 954360 (VCV000954360.10), dbSNP rs756195573, ClinGen allele CA3184612.

ClinVar aggregate classification (germline): Uncertain significance (1 of 4 stars; one submission).

Conditions:
Idiopathic Pulmonary Fibrosis. Also called: Idiopathic fibrosing alveolitis, chronic form; idiopathic fibrosing alveolitis. Identifiers: Orphanet 2032, MedGen C1800706, MeSH D054990, MONDO:0800504.
Dyskeratosis congenita, autosomal dominant 2. Identifiers: MedGen C3151443, MONDO:0013521, OMIM 613989.

Allele frequency attached by ClinVar (database versions not stated): gnomAD exomes below 0.00001; ExAC 0.00001.
gnomAD v4.1: 1 of 1,614,164 alleles (0.000062%); highest among the groups gnomAD compares: Non-Finnish European, 0.000085%; no homozygotes.

Submission:

Labcorp Genetics (formerly Invitae), Labcorp
Classification: Uncertain significance for Dyskeratosis congenita, autosomal dominant 2; Idiopathic Pulmonary Fibrosis. Last evaluated: 2023-10-08. Review status: criteria provided, single submitter. Criteria: Invitae Variant Classification Sherloc (09022015). Collection method: clinical testing. Allele origin: germline.
Comment: This sequence change replaces alanine, which is neutral and non-polar, with serine, which is neutral and polar, at codon 758 of the TERT protein (p.Ala758Ser). This variant is present in population databases (rs756195573, gnomAD 0.0009%). This variant has not been reported in the literature in individuals affected with TERT-related conditions. ClinVar contains an entry for this variant (Variation ID: 954360). Advanced modeling of protein sequence and biophysical properties (such as structural, functional, and spatial information, amino acid conservation, physicochemical variation, residue mobility, and thermodynamic stability) performed at Invitae indicates that this missense variant is not expected to disrupt TERT protein function. In summary, the available evidence is currently insufficient to determine the role of this variant in disease. Therefore, it has been classified as a Variant of Uncertain Significance.